The following is an entry in ClinVar:

NM_020774.4(MIB1):c.1513G>A (p.Ala505Thr)

Gene: MIB1 (MIB E3 ubiquitin protein ligase 1; plus strand). Cytogenetic location: 18q11.2.
Variant type: single nucleotide variant.
Coding change: c.1513G>A on transcript NM_020774.4 (MANE Select); coding-DNA position 1513, G replaced by A.
Protein change: p.Ala505Thr; replaces alanine 505 with threonine.
Molecular consequence: missense variant.
Genome position (GRCh38, 1-based): chr18:21,815,649, G>A. VCF-style: chr18-21815649-G-A. GRCh37 (hg19) VCF-style: chr18-19395610-G-A.
Other names: short protein forms A505T.
Identifiers: ClinVar variation 1774268 (VCV001774268.2), dbSNP rs2510746790, ClinGen allele CA401757753.
Genomic context (GRCh38, chr18:21,815,649, plus strand): 5'-AATTCACATTTCAATACTAATGATTAGGATAAAGATGGTGATAGAGCAGTTCACCATGCA[G>A]CTTTTGGAGATGAAGGCGCTGTTATAGAAGTACTACATCGAGGTAGTGCTGATTTGAATG-3'
Protein context (NP_065825.1, residues 495-515): KDGDRAVHHA[Ala505Thr]FGDEGAVIEV

ClinVar aggregate classification (germline): Uncertain significance (1 of 4 stars; one submission).

Conditions:
Inborn genetic diseases. Identifiers: MedGen C0950123, MeSH D030342.

Allele frequency attached by ClinVar (database versions not stated): gnomAD exomes below 0.00001.
gnomAD v4.1: 2 of 1,614,154 alleles (0.00012%); highest among the groups gnomAD compares: Non-Finnish European, 0.00017%; no homozygotes.

Submission:

Ambry Genetics
Classification: Uncertain significance for Inborn genetic diseases. Last evaluated: 2021-09-26. Review status: criteria provided, single submitter. Criteria: Ambry Variant Classification Scheme 2023. Collection method: clinical testing. Allele origin: germline.
Comment: The p.A505T variant (also known as c.1513G>A), located in coding exon 11 of the MIB1 gene, results from a G to A substitution at nucleotide position 1513. The alanine at codon 505 is replaced by threonine, an amino acid with similar properties. This amino acid position is conserved. In addition, the in silico prediction for this alteration is inconclusive. Since supporting evidence is limited at this time, the clinical significance of this alteration remains unclear.